The following is an entry in ClinVar:

ClinVar aggregate classification (germline): Uncertain significance (1 of 4 stars; one submission).

gnomAD v4.1: 2 of 1,614,066 alleles (0.00012%); highest among the groups gnomAD compares: Non-Finnish European, 0.00017%; no homozygotes.

Submission:

Labcorp Genetics (formerly Invitae), Labcorp
Classification: Uncertain significance. Last evaluated: 2026-01-19. Review status: criteria provided, single submitter. Criteria: Invitae Variant Classification Sherloc (09022015). Collection method: clinical testing. Allele origin: germline.
Comment: This sequence change replaces serine, which is neutral and polar, with proline, which is neutral and non-polar, at codon 556 of the KIF20A protein (p.Ser556Pro). This variant is not present in population databases (gnomAD no frequency). This variant has not been reported in the literature in individuals affected with KIF20A-related conditions. An algorithm developed to predict the effect of missense changes on protein structure and function (PolyPhen-2) suggests that this variant is likely to be disruptive. In summary, the available evidence is currently insufficient to determine the role of this variant in disease. Therefore, it has been classified as a Variant of Uncertain Significance.

NM_005733.3(KIF20A):c.1666T>C (p.Ser556Pro)

Gene: KIF20A (kinesin family member 20A; plus strand). Cytogenetic location: 5q31.2.
Variant type: single nucleotide variant.
Coding change: c.1666T>C on transcript NM_005733.3 (MANE Select); coding-DNA position 1666, T replaced by C.
Protein change: p.Ser556Pro; replaces serine 556 with proline.
Molecular consequence: missense variant.
Genome position (GRCh38, 1-based): chr5:138,184,659, T>C. VCF-style: chr5-138184659-T-C. GRCh37 (hg19) VCF-style: chr5-137520348-T-C.
Other names: short protein forms S556P.
Identifiers: ClinVar variation 4735694 (VCV004735694.1).